The following is an entry in ClinVar:

ClinVar aggregate classification (germline): Conflicting classifications of pathogenicity. Review status: criteria provided, conflicting classifications (1 of 4 stars). 2 submissions from 2 submitters: Uncertain significance (1); Likely benign (1). Last evaluated 2025-10-16.

Allele frequency attached by ClinVar (database versions not stated): gnomAD exomes 0.00002; gnomAD 0.00003; ExAC 0.00004; TOPMed 0.00004.
gnomAD v4.1: 30 of 1,613,396 alleles (0.0019%); highest among the groups gnomAD compares: African/African-American, 0.008%; no homozygotes.

Submissions (2):

Labcorp Genetics (formerly Invitae), Labcorp
Classification: Uncertain significance. Last evaluated: 2025-10-16. Review status: criteria provided, single submitter. Criteria: Invitae Variant Classification Sherloc (09022015). Collection method: clinical testing. Allele origin: germline.
Comment: This sequence change replaces arginine, which is basic and polar, with histidine, which is basic and polar, at codon 4262 of the FAT2 protein (p.Arg4262His). This variant is present in population databases (rs750561477, gnomAD 0.02%). This variant has not been reported in the literature in individuals affected with FAT2-related conditions. ClinVar contains an entry for this variant (Variation ID: 3093103). An algorithm developed to predict the effect of missense changes on protein structure and function outputs the following: PolyPhen-2: "Benign". The histidine amino acid residue is found in multiple mammalian species, which suggests that this missense change does not adversely affect protein function. In summary, the available evidence is currently insufficient to determine the role of this variant in disease. Therefore, it has been classified as a Variant of Uncertain Significance.

Ambry Genetics
Classification: Likely benign. Last evaluated: 2023-01-20. Review status: criteria provided, single submitter. Criteria: Ambry Variant Classification Scheme 2023. Collection method: clinical testing. Allele origin: germline.

NM_001447.3(FAT2):c.12785G>A (p.Arg4262His)

Genes: FAT2 (FAT atypical cadherin 2; minus strand), SLC36A1 (solute carrier family 36 member 1; plus strand). Cytogenetic location: 5q33.1.
Variant type: single nucleotide variant.
Coding change: c.12785G>A on transcript NM_001447.3 (MANE Select); coding-DNA position 12785, G replaced by A.
Protein change: p.Arg4262His; replaces arginine 4262 with histidine.
Molecular consequence: missense variant.
Genome position (GRCh38, 1-based): chr5:151,505,830, C>T on the plus strand (G>A on the coding strand, the complement: FAT2 is on the minus strand). VCF-style: chr5-151505830-C-T. GRCh37 (hg19) VCF-style: chr5-150885391-C-T.
Other names: short protein forms R4262H.
Identifiers: ClinVar variation 3093103 (VCV003093103.2), dbSNP rs750561477, ClinGen allele CA3519683.